The following is an entry in ClinVar:

ClinVar aggregate classification (germline): Conflicting classifications of pathogenicity. Review status: criteria provided, conflicting classifications (1 of 4 stars). 12 submissions from 12 submitters: Likely pathogenic (1); Uncertain significance (9). 2 of the submissions do not count toward it. Last evaluated 2026-02-01.

Conditions:
Cardiovascular phenotype. Identifiers: MedGen CN230736.
Cardiomyopathy (CMYO). Also called: Cardiomyopathies. Identifiers: Orphanet 167848, MedGen C0878544, MONDO:0004994, HP:0001638. Inheritance: Various modes of inheritance.
Hypertrophic cardiomyopathy 7. Also called: TNNI3-Related Familial Hypertrophic Cardiomyopathy; Familial hypertrophic cardiomyopathy 7; CARDIOMYOPATHY, FAMILIAL HYPERTROPHIC, 7, MODIFIER OF. Identifiers: MedGen C1860752, MONDO:0013369, OMIM 613690.
Left ventricular noncompaction cardiomyopathy. Also called: left ventricular non-compaction cardiomyopathy. Identifiers: MedGen C4021133, HP:0011664.
Hypertrophic cardiomyopathy. Also called: HYPERTROPHIC MYOCARDIOPATHY. Identifiers: Orphanet 217569, MedGen C0007194, MeSH D002312, MONDO:0005045, HP:0001639.

Allele frequency attached by ClinVar (database versions not stated): gnomAD 0.00001; TOPMed 0.00001; ExAC 0.00002; gnomAD exomes 0.00004.
gnomAD v4.1: 26 of 1,613,122 alleles (0.0016%); highest among the groups gnomAD compares: Middle Eastern, 0.033%; no homozygotes.

Submissions (12):

Labcorp Genetics (formerly Invitae), Labcorp
Classification: Uncertain significance for Hypertrophic cardiomyopathy. Last evaluated: 2026-02-01. Review status: criteria provided, single submitter. Criteria: Invitae Variant Classification Sherloc (09022015). Collection method: clinical testing. Allele origin: germline.
Comment: This sequence change replaces threonine, which is neutral and polar, with asparagine, which is neutral and polar, at codon 143 of the TNNI3 protein (p.Thr143Asn). This variant is present in population databases (rs397516348, gnomAD 0.01%). This missense change has been observed in individual(s) with clinical features of TNNI3-related conditions (PMID: 26936621, 27532257, 30731207, 34540771, 37652022; internal data). ClinVar contains an entry for this variant (Variation ID: 43382). An algorithm developed to predict the effect of missense changes on protein structure and function (PolyPhen-2) suggests that this variant is likely to be tolerated. Experimental studies are conflicting or provide insufficient evidence to determine the effect of this variant on TNNI3 function (PMID: 15774859, 17010989, 17872964). In summary, the available evidence is currently insufficient to determine the role of this variant in disease. Therefore, it has been classified as a Variant of Uncertain Significance.

Institute of Immunology and Genetics Kaiserslautern
Classification: Uncertain significance for Hypertrophic cardiomyopathy 7. Last evaluated: 2025-06-12. Review status: criteria provided, single submitter. Criteria: ACMG Guidelines, 2015. Collection method: clinical testing. Allele origin: germline. Affected: yes.
Comment: ACMG Criteria: PM1, PM2_P ; Variant was found in heterozygous state.

Molecular Diagnostic Laboratory for Inherited Cardiovascular Disease, Montreal Heart Institute
Classification: Uncertain significance for Cardiovascular phenotype. Last evaluated: 2025-04-09. Review status: criteria provided, single submitter. Criteria: ACMG Guidelines, 2015. Collection method: clinical testing. Allele origin: germline. Affected: yes.
Comment: PM1, PM2, PS4_supp, PP2, BP4

Blueprint Genetics
Classification: Uncertain significance. Last evaluated: 2024-10-29. Review status: criteria provided, single submitter. Criteria: ACMG Guidelines, 2015. Collection method: clinical testing. Allele origin: germline.

All of Us Research Program, National Institutes of Health
Classification: Uncertain significance for Hypertrophic cardiomyopathy. Last evaluated: 2024-06-11. Review status: criteria provided, single submitter. Criteria: ACMG Guidelines, 2015. Collection method: clinical testing. Allele origin: germline. Inheritance: Autosomal dominant inheritance. Observed: 3 variant alleles, 3 heterozygotes.
Comment: This missense variant replaces threonine with asparagine at codon 143 of the TNNI3 protein. Computational prediction suggests that this variant may not impact protein structure and function (internally defined REVEL score threshold <= 0.5, PMID: 27666373). Experimental studies have suggested that this variant may abolish the phosphorylation site and may therefore have deleterious impact on the protein function (PMID: 15774859, 17010989, 17872964). However, clinical significance of these observations is unclear. This variant has been reported in individuals affected with or referred for testing for hypertrophic cardiomyopathy (PMID: 23690394, 26936621, 27532257, 30731207). Three of these individuals also carried pathogenic variants in the MYBPC3 and TPM1 gene (PMID: 26936621). It has also been reported in an individual affected with left ventricular noncompaction cardiomyopathy (PMID: 34540771). This variant has been identified in 9/248930 chromosomes in the general population by the Genome Aggregation Database (gnomAD). The available evidence is insufficient to determine the role of this variant in disease conclusively. Therefore, this variant is classified as a Variant of Uncertain Significance.

This study involves interpretation of variants in research participants for the purpose of population health screening. Participant phenotype was not available at the time of variant classification. Additional details can be found in publication PMID: 35346344, PMCID: PMC8962531

Color Diagnostics, LLC DBA Color Health
Classification: Uncertain significance for Cardiomyopathy. Last evaluated: 2024-02-20. Review status: criteria provided, single submitter. Criteria: ACMG Guidelines, 2015. Collection method: clinical testing. Allele origin: germline.
Comment: This missense variant replaces threonine with asparagine at codon 143 of the TNNI3 protein. Computational prediction tools indicate that this variant has a neutral impact on protein structure and function. Experimental studies have suggested that this variant may abolish the phosphorylation site and may therefore have a deleterious impact on the protein function (PMID: 15774859, 17010989, 17872964). However, clinical significance of these observations is unclear. This variant has been reported in individuals affected with or suspected to be affected with hypertrophic cardiomyopathy (PMID: 23690394, 26936621, 27532257, 30731207, 32481709). Three of these individuals also carried pathogenic variants in the MYBPC3 and TPM1 gene (PMID: 26936621). It has also been reported in one individual affected with left ventricular noncompaction cardiomyopathy (PMID: 34540771). This variant has been identified in 9/248930 chromosomes in the general population by the Genome Aggregation Database (gnomAD). The available evidence is insufficient to determine the role of this variant in disease conclusively. Therefore, this variant is classified as a Variant of Uncertain Significance.

Ambry Genetics
Classification: Uncertain significance for Cardiovascular phenotype. Last evaluated: 2020-12-18. Review status: criteria provided, single submitter. Criteria: Ambry Variant Classification Scheme 2023. Collection method: clinical testing. Allele origin: germline.

Laboratory for Molecular Medicine, Mass General Brigham Personalized Medicine
Classification: Uncertain significance. Last evaluated: 2020-11-02. Review status: criteria provided, single submitter. Criteria: ACMG Guidelines, 2015. Collection method: clinical testing. Allele origin: germline.
Comment: The p.Thr143Asn variant in TNNI3 has been reported by our laboratory in 3 individuals with early onset HCM, two of whom had an additional pathogenic variant in 1 or more genes (LMM data, Walsh 2017 PMID: 27532257, Bales 2016 PMID: 26936621). This variant was also identified in two individuals from HCM families that underwent genetic testing but who did not yet present with clinical symptoms (Valente 2013 PMID: 23690394). Additionally, the p.Thr143An variant been reported by other clinical laboratories in ClinVar (Variation ID: 43382) has been also been identified in 0.005% (6/113252) of European chromosomes by gnomAD. Mouse studies have shown that phosphorylation at threonine 143 (position 144 in mice) plays an important role in the regulation of muscle contractility (Noland 1995 PMID:7592712, Vahebi 2005 PMID: 15774859, Wang 2006 PMID: 17010989, Mathur 2008 PMID: 17872964). Computational and conversation analyses do not provide strong support for or against an impact to the protein. In summary, the clinical significance of the p.Thr143Asp variant is uncertain due to conflicting data. ACMG/AMP Criteria applied: PS3_Moderate.

GeneDx
Classification: Uncertain significance. Last evaluated: 2020-01-16. Review status: criteria provided, single submitter. Criteria: GeneDx Variant Classification Process June 2021. Collection method: clinical testing. Allele origin: germline. Affected: yes.
Comment: In silico analysis, which includes protein predictors and evolutionary conservation, supports that this variant does not alter protein structure/function; This variant is associated with the following publications: (PMID: 27532257, 17010989, 26526134, 23690394, 25228707, 30731207, 26936621, 21310275, 17872964, 15774859, 7592712)

Klaassen Lab, Charite University Medicine Berlin
Classification: Likely pathogenic for Left ventricular noncompaction cardiomyopathy. Review status: criteria provided, single submitter. Criteria: ACMG Guidelines, 2015. Collection method: research. Allele origin: germline. Affected: yes.

Clinical Genetics, Academic Medical Center
Classification: Uncertain significance. Review status: no assertion criteria provided. Collection method: clinical testing. Allele origin: germline. Affected: yes. Study: VKGL Data-share Consensus. Not counted in ClinVar's aggregate classification.

Joint Genome Diagnostic Labs from Nijmegen and Maastricht, Radboudumc and MUMC+
Classification: Uncertain significance. Review status: no assertion criteria provided. Collection method: clinical testing. Allele origin: germline. Affected: yes. Study: VKGL Data-share Consensus. Not counted in ClinVar's aggregate classification.

Literature cited by the submitters: PubMed 26936621 (cited by 4 submitters); PubMed 27532257 (cited by 4 submitters); PubMed 30731207 (cited by 4 submitters); PubMed 34540771 (cited by 4 submitters); PubMed 37652022 (cited by Labcorp Genetics (formerly Invitae), Labcorp); PubMed 15774859 (cited by 4 submitters); PubMed 17010989 (cited by 4 submitters); PubMed 17872964 (cited by 4 submitters); PubMed 23690394 (cited by 3 submitters); PubMed 32481709 (cited by Color Diagnostics, LLC DBA Color Health); PubMed 7592712 (cited by Laboratory for Molecular Medicine, Mass General Brigham Personalized Medicine); PubMed 25228707 (cited by Laboratory for Molecular Medicine, Mass General Brigham Personalized Medicine).

NM_000363.5(TNNI3):c.428C>A (p.Thr143Asn)

Gene: TNNI3 (troponin I3, cardiac type; minus strand). Cytogenetic location: 19q13.42.
Variant type: single nucleotide variant.
Coding change: c.428C>A on transcript NM_000363.5 (MANE Select); coding-DNA position 428, C replaced by A.
Protein change: p.Thr143Asn; replaces threonine 143 with asparagine.
Molecular consequence: missense variant.
Genome position (GRCh38, 1-based): chr19:55,154,151, G>T on the plus strand (C>A on the coding strand, the complement: TNNI3 is on the minus strand). VCF-style: chr19-55154151-G-T. GRCh37 (hg19) VCF-style: chr19-55665519-G-T.
Other names: p.T143N:ACC>AAC; short protein forms T143N.
Identifiers: ClinVar variation 43382 (VCV000043382.29), dbSNP rs397516348, ClinGen allele CA021641.